The following is an entry in ClinVar:

NM_001369268.1(ACAN):c.5933A>C (p.His1978Pro)

Gene: ACAN (aggrecan; plus strand). Cytogenetic location: 15q26.1.
Variant type: single nucleotide variant.
Coding change: c.5933A>C on transcript NM_001369268.1 (MANE Select); coding-DNA position 5933, A replaced by C.
Protein change: p.His1978Pro; replaces histidine 1978 with proline.
Molecular consequence: missense variant.
Genome position (GRCh38, 1-based): chr15:88,858,518, A>C. VCF-style: chr15-88858518-A-C. GRCh37 (hg19) VCF-style: chr15-89401749-A-C.
Other names: c.5933A>C, p.His1978Pro (NM_001135.4, NM_001411096.1, NM_001411097.1 and 1 more transcripts); short protein forms H1978P.
Identifiers: ClinVar variation 2579976 (VCV002579976.2), dbSNP rs927736098, ClinGen allele CA274485066.

ClinVar aggregate classification (germline): Uncertain significance. Review status: criteria provided, multiple submitters, no conflicts (2 of 4 stars). 2 submissions from 2 submitters: Uncertain significance (2). Last evaluated 2025-04-10.

Conditions:
Inborn genetic diseases. Identifiers: MedGen C0950123, MeSH D030342.

Allele frequency attached by ClinVar (database versions not stated): gnomAD exomes below 0.00001.
gnomAD v4.1: 1 of 1,613,886 alleles (0.000062%); highest among the groups gnomAD compares: South Asian, 0.0011%; no homozygotes.

Submissions (2):

Ambry Genetics
Classification: Uncertain significance for Inborn genetic diseases. Last evaluated: 2025-04-10. Review status: criteria provided, single submitter. Criteria: Ambry Variant Classification Scheme 2023. Collection method: clinical testing. Allele origin: germline.

GeneDx
Classification: Uncertain significance. Last evaluated: 2023-03-13. Review status: criteria provided, single submitter. Criteria: GeneDx Variant Classification Process June 2021. Collection method: clinical testing. Allele origin: germline. Affected: yes.
Comment: Not observed at significant frequency in large population cohorts (gnomAD); In silico analysis supports that this missense variant has a deleterious effect on protein structure/function; Has not been previously published as pathogenic or benign to our knowledge